The following is an entry in ClinVar:

NM_001080.3(ALDH5A1):c.155C>A (p.Ala52Glu)

Genes: ALDH5A1 (aldehyde dehydrogenase 5 family member A1; plus strand), GPLD1 (glycosylphosphatidylinositol specific phospholipase D1; minus strand), LOC129995978 (ATAC-STARR-seq lymphoblastoid silent region 16989; plus strand). Cytogenetic location: 6p22.3.
Variant type: single nucleotide variant.
Coding change: c.155C>A on transcript NM_001080.3 (MANE Select); coding-DNA position 155, C replaced by A.
Protein change: p.Ala52Glu; replaces alanine 52 with glutamic acid.
Molecular consequence: missense variant.
Genome position (GRCh38, 1-based): chr6:24,495,151, C>A. VCF-style: chr6-24495151-C-A. GRCh37 (hg19) VCF-style: chr6-24495379-C-A.
Other names: c.155C>A, p.Ala52Glu (NM_001368954.1, NM_170740.1); short protein forms A52E.
Identifiers: ClinVar variation 967924 (VCV000967924.8), dbSNP rs1470894211, ClinGen allele CA362968335.

ClinVar aggregate classification (germline): Uncertain significance (1 of 4 stars; one submission).

Conditions:
Succinate-semialdehyde dehydrogenase deficiency (SSADHD). Also called: Succinic Semialdehyde Dehydrogenase Deficiency; GABA METABOLIC DEFECT; 4-HYDROXYBUTYRIC ACIDURIA; SSADH DEFICIENCY. Identifiers: Orphanet 22, MedGen C0268631, MONDO:0010083, OMIM 271980.

Allele frequency attached by ClinVar (database versions not stated): TOPMed 0.00001; gnomAD exomes 0.00005.
gnomAD v4.1: 6 of 1,429,708 alleles (0.00042%); highest among the groups gnomAD compares: South Asian, 0.0014%; no homozygotes.

Submission:

Labcorp Genetics (formerly Invitae), Labcorp
Classification: Uncertain significance for Succinate-semialdehyde dehydrogenase deficiency. Last evaluated: 2022-11-01. Review status: criteria provided, single submitter. Criteria: Invitae Variant Classification Sherloc (09022015). Collection method: clinical testing. Allele origin: germline.
Comment: This sequence change replaces alanine, which is neutral and non-polar, with glutamic acid, which is acidic and polar, at codon 52 of the ALDH5A1 protein (p.Ala52Glu). In summary, the available evidence is currently insufficient to determine the role of this variant in disease. Therefore, it has been classified as a Variant of Uncertain Significance. Advanced modeling of protein sequence and biophysical properties (such as structural, functional, and spatial information, amino acid conservation, physicochemical variation, residue mobility, and thermodynamic stability) performed at Invitae indicates that this missense variant is not expected to disrupt ALDH5A1 protein function. ClinVar contains an entry for this variant (Variation ID: 967924). This variant has not been reported in the literature in individuals affected with ALDH5A1-related conditions. The frequency data for this variant in the population databases is considered unreliable, as metrics indicate poor data quality at this position in the gnomAD database.